The following is an entry in ClinVar:

ClinVar aggregate classification (germline): Uncertain significance. Review status: criteria provided, multiple submitters, no conflicts (2 of 4 stars). 2 submissions from 2 submitters: Uncertain significance (2). Last evaluated 2026-08-31.

Conditions:
Cardiovascular phenotype. Identifiers: MedGen CN230736.
Hypertrophic cardiomyopathy 14. Identifiers: MedGen C2750467, MONDO:0013197, OMIM 613251.
Dilated cardiomyopathy 1EE (CMD1EE). Identifiers: Orphanet 154, MedGen C2750466, MONDO:0013198, OMIM 613252.
Atrial septal defect 3 (ASD3). Identifiers: Orphanet 1478, MedGen C3279790, MONDO:0013567, OMIM 614089.
Sick sinus syndrome 3, susceptibility to (SSS3). Identifiers: Orphanet 166282, MedGen C3279791, MONDO:0013568, OMIM 614090.

Submissions (2):

Ambry Genetics
Classification: Uncertain significance for Cardiovascular phenotype. Last evaluated: 2026-08-31. Review status: criteria provided, single submitter. Criteria: Ambry Variant Classification Scheme 2023. Collection method: clinical testing. Allele origin: germline.
Comment: The c.5358_5360delGAA variant (also known as p.K1786del) is located in coding exon 34 of the MYH6 gene. This variant results from an in-frame GAA deletion at nucleotide positions 5358 to 5360. This results in the in-frame deletion of a lysine at codon 1786. This amino acid position is highly conserved in available vertebrate species. In addition, this variant is predicted to be deleterious by in silico analysis (Choi Y et al. PLoS ONE. 2012; 7(10):e46688). Based on the available evidence, the clinical significance of this variant remains unclear.

Juno Genomics, Hangzhou Juno Genomics, Inc
Classification: Uncertain significance for Atrial septal defect 3; Sick sinus syndrome 3, susceptibility to; Dilated cardiomyopathy 1EE; Hypertrophic cardiomyopathy 14. Review status: criteria provided, single submitter. Criteria: ACMG Guidelines, 2015. Collection method: clinical testing. Allele origin: germline.
Comment: Absent from controls (or at extremely low frequency if recessive) in Genome Aggregation Database.;Protein length changes due to in-frame deletions/insertions in a non-repeat region or stop-loss variants.

NM_002471.4(MYH6):c.5352GAA[2] (p.Lys1786del)

Gene: MYH6 (myosin heavy chain 6; minus strand). Cytogenetic location: 14q11.2.
Variant type: Microsatellite.
Coding change: c.5352GAA[2] on transcript NM_002471.4 (MANE Select); two copies in a row of the 3-base unit GAA starting at c.5352; the reference has three copies in a row; one copy, 3 bases deleted; also written c.5358_5360del.
Protein change: p.Lys1786del; deletes lysine 1786.
Molecular consequence: inframe deletion. On other transcripts: inframe indel (1).
Genome position (GRCh38, 1-based): chr14:23,384,647-23,384,649, TTC deleted on the plus strand (GAA on the coding strand, the reverse complement: MYH6 is on the minus strand); deleting any 3 consecutive bases within chr14:23,384,647-23,384,655 gives the same sequence; the position shown is the placement nearest the transcript's 3' end. VCF-style (leftmost placement, unchanged base first): chr14-23384646-GTTC-G. GRCh37 (hg19) VCF-style: chr14-23853855-GTTC-G.
Other names: c.5358_5360delGAA (NM_002471.3); c.5352_5354GAA[2], p.Lys1786del (NM_002471.3); c.5358_5360del (NM_002471.4); short protein forms K1786del.
Identifiers: ClinVar variation 5005304 (VCV005005304.3).